The following is an entry in ClinVar:

NM_000178.4(GSS):c.834+4G>C

Gene: GSS (glutathione synthetase; minus strand). Cytogenetic location: 20q11.22.
Variant type: single nucleotide variant.
Coding change: c.834+4G>C on transcript NM_000178.4 (MANE Select); 4 bases into the intron after coding-DNA position 834, G replaced by C.
Molecular consequence: intron variant.
Genome position (GRCh38, 1-based): chr20:34,935,572, C>G on the plus strand (G>C on the coding strand, the complement: GSS is on the minus strand). VCF-style: chr20-34935572-C-G. GRCh37 (hg19) VCF-style: chr20-33523375-C-G.
Other names: c.834+4G>C (LRG_1168t1, NM_001322494.1, NM_001322495.1).
Identifiers: ClinVar variation 338299 (VCV000338299.7), dbSNP rs201359061, ClinGen allele CA9825953.

ClinVar aggregate classification (germline): Conflicting classifications of pathogenicity. Review status: criteria provided, conflicting classifications (1 of 4 stars). 4 submissions from 4 submitters: Uncertain significance (3); Likely benign (1). Last evaluated 2024-12-13.

Conditions:
Inherited glutathione synthetase deficiency. Identifiers: Orphanet 32, MedGen C5979912, MONDO:0017909.

Allele frequency attached by ClinVar (database versions not stated): gnomAD exomes 0.00006 and 0.00014; gnomAD 0.00008 and 0.00009; TOPMed 0.00009; ExAC 0.00012.
gnomAD v4.1: 108 of 1,605,592 alleles (0.0067%); highest among the groups gnomAD compares: Middle Eastern, 0.084%; 2 homozygotes.

Submissions (4):

ARUP Laboratories, Molecular Genetics and Genomics, ARUP Laboratories
Classification: Uncertain significance. Last evaluated: 2024-12-13. Review status: criteria provided, single submitter. Criteria: ARUP Molecular Germline Variant Investigation Process 2024. Collection method: clinical testing. Allele origin: germline.
Comment: The GSS c.834+4G>C variant (rs201359061), to our knowledge, is not reported in the medical literature but is reported in ClinVar (Variation ID: 338299). This variant is found in the general population with an overall allele frequency of 0.012% (36/282846 alleles) in the Genome Aggregation Database (v2.1.1). This is an intronic variant and computational analyses (Alamut Visual Plus v.1.5.1) predict that this variant does not alter splicing. However, since this variant is located within the minimal splice region, the clinical significance of this variant is uncertain at this time.

Labcorp Genetics (formerly Invitae), Labcorp
Classification: Uncertain significance for Glutathione synthetase deficiency with 5-oxoprolinuria. Last evaluated: 2022-06-16. Review status: criteria provided, single submitter. Criteria: Invitae Variant Classification Sherloc (09022015). Collection method: clinical testing. Allele origin: germline.
Comment: This sequence change falls in intron 9 of the GSS gene. It does not directly change the encoded amino acid sequence of the GSS protein. It affects a nucleotide within the consensus splice site. This variant is present in population databases (rs201359061, gnomAD 0.1%). This variant has not been reported in the literature in individuals affected with GSS-related conditions. ClinVar contains an entry for this variant (Variation ID: 338299). Variants that disrupt the consensus splice site are a relatively common cause of aberrant splicing (PMID: 17576681, 9536098). Algorithms developed to predict the effect of sequence changes on RNA splicing suggest that this variant is not likely to affect RNA splicing. In summary, the available evidence is currently insufficient to determine the role of this variant in disease. Therefore, it has been classified as a Variant of Uncertain Significance.

Illumina Laboratory Services, Illumina
Classification: Uncertain significance for Glutathione synthetase deficiency with 5-oxoprolinuria. Last evaluated: 2018-01-13. Review status: criteria provided, single submitter. Criteria: ICSL Variant Classification Criteria 13 December 2019. Collection method: clinical testing. Allele origin: germline.

GeneDx
Classification: Likely benign. Last evaluated: 2016-02-09. Review status: criteria provided, single submitter. Criteria: GeneDx Variant Classification (06012015). Collection method: clinical testing. Allele origin: germline. Affected: yes.
Comment: This variant is considered likely benign or benign based on one or more of the following criteria: it is a conservative change, it occurs at a poorly conserved position in the protein, it is predicted to be benign by multiple in silico algorithms, and/or has population frequency not consistent with disease.

Literature cited by the submitters: PubMed 17576681 (cited by Labcorp Genetics (formerly Invitae), Labcorp); PubMed 9536098 (cited by Labcorp Genetics (formerly Invitae), Labcorp).